The following is an entry in ClinVar:

ClinVar aggregate classification (germline): Conflicting classifications of pathogenicity. Review status: criteria provided, conflicting classifications (1 of 4 stars). 2 submissions from 2 submitters: Uncertain significance (1); Likely benign (1). Last evaluated 2026-01-12.

Conditions:
Early Myoclonic Encephalopathy. Identifiers: MedGen C0270855.

Allele frequency attached by ClinVar (database versions not stated): TOPMed 0.00003; gnomAD 0.00001; gnomAD exomes 0.00001 and 0.00004; ExAC 0.00007.
gnomAD v4.1: 19 of 1,614,024 alleles (0.0012%); highest among the groups gnomAD compares: Admixed American, 0.0083%; no homozygotes.

Submissions (2):

Labcorp Genetics (formerly Invitae), Labcorp
Classification: Uncertain significance for Early Myoclonic Encephalopathy. Last evaluated: 2026-01-12. Review status: criteria provided, single submitter. Criteria: Invitae Variant Classification Sherloc (09022015). Collection method: clinical testing. Allele origin: germline.
Comment: This sequence change replaces threonine, which is neutral and polar, with alanine, which is neutral and non-polar, at codon 1178 of the JMJD1C protein (p.Thr1178Ala). This variant is present in population databases (rs769017713, gnomAD 0.02%). This variant has not been reported in the literature in individuals affected with JMJD1C-related conditions. ClinVar contains an entry for this variant (Variation ID: 847689). Invitae Evidence Modeling of protein sequence and biophysical properties (such as structural, functional, and spatial information, amino acid conservation, physicochemical variation, residue mobility, and thermodynamic stability) indicates that this missense variant is not expected to disrupt JMJD1C protein function with a negative predictive value of 80%. In summary, the available evidence is currently insufficient to determine the role of this variant in disease. Therefore, it has been classified as a Variant of Uncertain Significance.

Ambry Genetics
Classification: Likely benign. Last evaluated: 2023-02-14. Review status: criteria provided, single submitter. Criteria: Ambry Variant Classification Scheme 2023. Collection method: clinical testing. Allele origin: germline.

NM_032776.3(JMJD1C):c.3532A>G (p.Thr1178Ala)

Gene: JMJD1C (jumonji domain containing 1C; minus strand). Cytogenetic location: 10q21.3.
Variant type: single nucleotide variant.
Coding change: c.3532A>G on transcript NM_032776.3 (MANE Select); coding-DNA position 3532, A replaced by G.
Protein change: p.Thr1178Ala; replaces threonine 1178 with alanine.
Molecular consequence: missense variant. On other transcripts: non-coding transcript variant (1).
Genome position (GRCh38, 1-based): chr10:63,208,137, T>C on the plus strand (A>G on the coding strand, the complement: JMJD1C is on the minus strand). VCF-style: chr10-63208137-T-C. GRCh37 (hg19) VCF-style: chr10-64967897-T-C.
Other names: c.2986A>G, p.Thr996Ala (NM_001282948.2, NM_001318154.2); c.2668A>G, p.Thr890Ala (NM_001318153.2); c.3418A>G, p.Thr1140Ala (NM_001322252.2); c.2875A>G, p.Thr959Ala (NM_001322254.2, NM_001322258.2); c.3532A>G (NM_032776.1); short protein forms T959A, T1178A, T1140A, T890A, T996A.
Identifiers: ClinVar variation 847689 (VCV000847689.11), dbSNP rs769017713, ClinGen allele CA5518415.